The following is an entry in ClinVar:

ClinVar aggregate classification (germline): Uncertain significance (1 of 4 stars; one submission).

Conditions:
Early Myoclonic Encephalopathy. Identifiers: MedGen C0270855.

Allele frequency attached by ClinVar (database versions not stated): gnomAD exomes 0.00001; TOPMed 0.00001; gnomAD 0.00001.
gnomAD v4.1: 21 of 1,614,006 alleles (0.0013%); highest among the groups gnomAD compares: East Asian, 0.0067%; no homozygotes.

Submission:

Labcorp Genetics (formerly Invitae), Labcorp
Classification: Uncertain significance for Early Myoclonic Encephalopathy. Last evaluated: 2025-07-02. Review status: criteria provided, single submitter. Criteria: Invitae Variant Classification Sherloc (09022015). Collection method: clinical testing. Allele origin: germline.
Comment: This sequence change replaces proline, which is neutral and non-polar, with leucine, which is neutral and non-polar, at codon 1234 of the JMJD1C protein (p.Pro1234Leu). This variant is present in population databases (no rsID available, gnomAD 0.1%). This variant has not been reported in the literature in individuals affected with JMJD1C-related conditions. ClinVar contains an entry for this variant (Variation ID: 1035254). Invitae Evidence Modeling of protein sequence and biophysical properties (such as structural, functional, and spatial information, amino acid conservation, physicochemical variation, residue mobility, and thermodynamic stability) indicates that this missense variant is expected to disrupt JMJD1C protein function with a positive predictive value of 80%. In summary, the available evidence is currently insufficient to determine the role of this variant in disease. Therefore, it has been classified as a Variant of Uncertain Significance.

NM_032776.3(JMJD1C):c.3701C>T (p.Pro1234Leu)

Gene: JMJD1C (jumonji domain containing 1C; minus strand). Cytogenetic location: 10q21.3.
Variant type: single nucleotide variant.
Coding change: c.3701C>T on transcript NM_032776.3 (MANE Select); coding-DNA position 3701, C replaced by T.
Protein change: p.Pro1234Leu; replaces proline 1234 with leucine.
Molecular consequence: missense variant. On other transcripts: non-coding transcript variant (1).
Genome position (GRCh38, 1-based): chr10:63,207,968, G>A on the plus strand (C>T on the coding strand, the complement: JMJD1C is on the minus strand). VCF-style: chr10-63207968-G-A. GRCh37 (hg19) VCF-style: chr10-64967728-G-A.
Other names: c.3155C>T, p.Pro1052Leu (NM_001282948.2, NM_001318154.2); c.2837C>T, p.Pro946Leu (NM_001318153.2); c.3587C>T, p.Pro1196Leu (NM_001322252.2); c.3044C>T, p.Pro1015Leu (NM_001322254.2, NM_001322258.2); short protein forms P1052L, P1196L, P1234L, P1015L, P946L.
Identifiers: ClinVar variation 1035254 (VCV001035254.8), dbSNP rs1237216547, ClinGen allele CA377040549.